The following is an entry in ClinVar:

NM_052867.4(NALCN):c.1261G>A (p.Ala421Thr)

Genes: NALCN (sodium leak channel, non-selective; minus strand), LOC126861831 (P300/CBP strongly-dependent group 1 enhancer GRCh37_chr13:101909917-101911116; plus strand). Cytogenetic location: 13q33.1.
Variant type: single nucleotide variant.
Coding change: c.1261G>A on transcript NM_052867.4 (MANE Select); coding-DNA position 1261, G replaced by A.
Protein change: p.Ala421Thr; replaces alanine 421 with threonine.
Molecular consequence: missense variant.
Genome position (GRCh38, 1-based): chr13:101,258,448, C>T on the plus strand (G>A on the coding strand, the complement: NALCN is on the minus strand). VCF-style: chr13-101258448-C-T. GRCh37 (hg19) VCF-style: chr13-101910799-C-T.
Other names: c.1261G>A, p.Ala421Thr (NM_001350748.2, NM_001350749.2); c.1174G>A, p.Ala392Thr (NM_001350750.2, NM_001350751.2); short protein forms A392T, A421T.
Identifiers: ClinVar variation 4809868 (VCV004809868.1).

ClinVar aggregate classification (germline): Uncertain significance (1 of 4 stars; one submission).

Submission:

Labcorp Genetics (formerly Invitae), Labcorp
Classification: Uncertain significance. Last evaluated: 2025-03-20. Review status: criteria provided, single submitter. Criteria: Invitae Variant Classification Sherloc (09022015). Collection method: clinical testing. Allele origin: germline.
Comment: This sequence change replaces alanine, which is neutral and non-polar, with threonine, which is neutral and polar, at codon 421 of the NALCN protein (p.Ala421Thr). This variant is present in population databases (no rsID available, gnomAD 0.006%). This variant has not been reported in the literature in individuals affected with NALCN-related conditions. Invitae Evidence Modeling of protein sequence and biophysical properties (such as structural, functional, and spatial information, amino acid conservation, physicochemical variation, residue mobility, and thermodynamic stability) indicates that this missense variant is not expected to disrupt NALCN protein function with a negative predictive value of 80%. In summary, the available evidence is currently insufficient to determine the role of this variant in disease. Therefore, it has been classified as a Variant of Uncertain Significance.